The following is an entry in ClinVar:

NM_000059.4(BRCA2):c.3201del (p.Val1068fs)

Gene: BRCA2 (BRCA2 DNA repair associated; plus strand). Cytogenetic location: 13q13.1.
Variant type: Deletion.
Coding change: c.3201del on transcript NM_000059.4 (MANE Select); coding-DNA position 3201, one base deleted (T; older notation c.3201delT).
Protein change: p.Val1068fs; shifts the reading frame from valine 1068.
Molecular consequence: frameshift variant.
Genome position (GRCh38, 1-based): chr13:32,337,556, T deleted. VCF-style (leftmost placement, unchanged base first): chr13-32337555-CT-C. GRCh37 (hg19) VCF-style: chr13-32911692-CT-C.
Other names: 3429delT; c.3201delT (NM_000059.3); short protein forms V1068fs.
Identifiers: ClinVar variation 220844 (VCV000220844.19), dbSNP rs864622672, ClinGen allele CA350572.

ClinVar aggregate classification (germline): Pathogenic. Review status: reviewed by expert panel (3 of 4 stars). 8 submissions from 8 submitters: Pathogenic (1). 7 of the submissions do not count toward it. Last evaluated 2016-09-08.

Conditions:
BRCA2-related cancer predisposition. Identifiers: MedGen CN377758, MONDO:0700269.
Hereditary cancer-predisposing syndrome. Also called: Tumor predisposition; Neoplastic Syndromes, Hereditary; Hereditary Cancer Syndrome; Hereditary neoplastic syndrome. Identifiers: Orphanet 140162, MedGen C0027672, MeSH D009386, MONDO:0015356.
Hereditary breast ovarian cancer syndrome. Also called: Hereditary breast and ovarian cancer; Hereditary breast and ovarian cancer syndrome (HBOC); Breast and ovarian cancer; BRCA1- and BRCA2-Associated Hereditary Breast and Ovarian Cancer; Hereditary breast and ovarian cancer syndrome; Hereditary breast and/or ovarian cancer syndrome. Identifiers: Orphanet 145, MedGen C0677776, MeSH D061325, MONDO:0003582. Disease mechanism: loss of function.
Breast-ovarian cancer, familial, susceptibility to, 2 (BROVCA2). Also called: BRCA2 Hereditary Breast and Ovarian Cancer. Identifiers: Orphanet 145, MedGen C2675520, MONDO:0012933, OMIM 612555. Disease mechanism: loss of function.

Submissions (8):

Evidence-based Network for the Interpretation of Germline Mutant Alleles (ENIGMA)
Classification: Pathogenic for Breast-ovarian cancer, familial, susceptibility to, 2. Last evaluated: 2016-09-08. Review status: reviewed by expert panel. Criteria: ENIGMA BRCA1/2 Classification Criteria (2015). Collection method: curation. Allele origin: germline.
Comment: Variant allele predicted to encode a truncated non-functional protein.

Ambry Genetics
Classification: Pathogenic for Hereditary cancer-predisposing syndrome. Last evaluated: 2026-06-18. Review status: criteria provided, single submitter. Criteria: Ambry Variant Classification Scheme 2023. Collection method: clinical testing. Allele origin: germline. Not counted in ClinVar's aggregate classification.
Comment: The c.3201delT pathogenic mutation, located in coding exon 10 of the BRCA2 gene, results from a deletion of one nucleotide at nucleotide position 3201, causing a translational frameshift with a predicted alternate stop codon (p.V1068Yfs*9). This variant is considered to be rare based on population cohorts in the Genome Aggregation Database (gnomAD). This alteration is expected to result in loss of function by premature protein truncation or nonsense-mediated mRNA decay. As such, this alteration is interpreted as a disease-causing mutation.

Victorian Clinical Genetics Services, Murdoch Childrens Research Institute
Classification: Pathogenic for BRCA2-related cancer predisposition. Last evaluated: 2025-03-11. Review status: criteria provided, single submitter. Criteria: ACMG Guidelines, 2015. Collection method: clinical testing. Allele origin: germline. Not counted in ClinVar's aggregate classification.
Comment: This variant is classified as Pathogenic. Evidence in support of pathogenic classification: Variant is predicted to cause nonsense-mediated decay (NMD) and loss of protein (premature termination codon is located at least 54 nucleotides upstream of the final exon-exon junction); Variant is absent from gnomAD (v2, v3 and v4); This variant has very strong previous evidence of pathogenicity in unrelated individuals. This variant has been classified as likely pathogenic and pathogenic by clinical laboratories in ClinVar. It is regarded as pathogenic for susceptibility to familial breast-ovarian cancer 2 by the expert panel ENIGMA (ClinVar); Other variants predicted to cause NMD, comparable to the one identified in this case, have very strong previous evidence for pathogenicity (DECIPHER, ClinVar). Additional information: This variant is heterozygous; This gene is associated with both recessive and dominant disease. Predisposition to cancer follows an autosomal dominant inheritance pattern, while Fanconi anaemia (MIM#605724) is associated with autosomal recessive inheritance (OMIM, PMID: 14559878); Loss of function is a known mechanism of disease in this gene and is associated with Fanconi anaemia, complementation group D1 (MIM#605724) and predisposition to breast, ovarian, and other cancers (MIM#612555, MIM#114480, MIM#613029, MIM#155255, MIM#613347, MIM#176807, MIM#194070); The condition associated with this gene has incomplete penetrance. Incomplete penetrance for the cancer phenotypes caused by this gene is well reported (PMIDs: 15994883, 20301425).

Labcorp Genetics (formerly Invitae), Labcorp
Classification: Pathogenic for Hereditary breast ovarian cancer syndrome. Last evaluated: 2021-11-25. Review status: criteria provided, single submitter. Criteria: Invitae Variant Classification Sherloc (09022015). Collection method: clinical testing. Allele origin: germline. Not counted in ClinVar's aggregate classification.
Comment: This variant has not been reported in the literature in individuals affected with BRCA2-related conditions. This sequence change creates a premature translational stop signal (p.Val1068Tyrfs*9) in the BRCA2 gene. It is expected to result in an absent or disrupted protein product. Loss-of-function variants in BRCA2 are known to be pathogenic (PMID: 20104584). This variant is not present in population databases (gnomAD no frequency). ClinVar contains an entry for this variant (Variation ID: 220844). For these reasons, this variant has been classified as Pathogenic.

Quest Diagnostics Nichols Institute San Juan Capistrano
Classification: Likely pathogenic. Last evaluated: 2020-08-26. Review status: criteria provided, single submitter. Criteria: Quest Diagnostics criteria. Collection method: clinical testing. Allele origin: unknown. Not counted in ClinVar's aggregate classification.
Comment: This frameshift variant is predicted to cause the premature termination of BRCA2 protein synthesis. To the best of our knowledge, the variant has not been reported in the published literature. This variant has not been reported in large, multi-ethnic general populations. Based on the available information, we predict that the variant is likely pathogenic.

HudsonAlpha Institute for Biotechnology
Classification: Pathogenic for Breast-ovarian cancer, familial, susceptibility to, 2. Last evaluated: 2018-09-27. Review status: criteria provided, single submitter. Criteria: ACMG Guidelines, 2015. Collection method: research. Allele origin: unknown. Observed: 1 variant allele. Study: AGHI_GT. Not counted in ClinVar's aggregate classification.

GeneDx
Classification: Pathogenic. Last evaluated: 2017-06-12. Review status: criteria provided, single submitter. Criteria: GeneDx Variant Classification (06012015). Collection method: clinical testing. Allele origin: germline. Affected: yes. Not counted in ClinVar's aggregate classification.
Comment: This deletion of one nucleotide in BRCA2 is denoted c.3201delT at the cDNA level and p.Val1068TyrfsX9 (V1068YfsX9) at the protein level. The normal sequence, with the base that is deleted in brackets, is ATAC[delT]GTAT. The deletion causes a frameshift which changes a Valine to a Tyrosine at codon 1068, and creates a premature stop codon at position 9 of the new reading frame. This variant is predicted to cause loss of normal protein function through either protein truncation or nonsense-mediated mRNA decay. Although this specific variant has not, to our knowledge, been reported in the literature, a nearby variant resulting in the same frameshift has been reported in an individual at high-risk for breast and/or ovarian cancer (Kwong 2012). Based on currently available information, we consider this variant to be pathogenic.

Sharing Clinical Reports Project (SCRP)
Classification: Pathogenic for Breast-ovarian cancer, familial 2. Last evaluated: 2013-01-15. Review status: no assertion criteria provided. Collection method: clinical testing. Allele origin: germline. Not counted in ClinVar's aggregate classification.

Literature cited by the submitters: PubMed 15994883 (cited by Victorian Clinical Genetics Services, Murdoch Childrens Research Institute); PubMed 20301425 (cited by Victorian Clinical Genetics Services, Murdoch Childrens Research Institute); PubMed 14559878 (cited by Victorian Clinical Genetics Services, Murdoch Childrens Research Institute); PubMed 20104584 (cited by Labcorp Genetics (formerly Invitae), Labcorp).